The following is an entry in ClinVar:

NM_007129.5(ZIC2):c.303C>G (p.His101Gln)

Gene: ZIC2 (Zic family zinc finger 2; plus strand). Cytogenetic location: 13q32.3.
Variant type: single nucleotide variant.
Coding change: c.303C>G on transcript NM_007129.5 (MANE Select); coding-DNA position 303, C replaced by G.
Protein change: p.His101Gln; replaces histidine 101 with glutamine.
Molecular consequence: missense variant.
Genome position (GRCh38, 1-based): chr13:99,982,367, C>G. VCF-style: chr13-99982367-C-G. GRCh37 (hg19) VCF-style: chr13-100634621-C-G.
Other names: short protein forms H101Q.
Identifiers: ClinVar variation 4744085 (VCV004744085.1).
Genomic context (GRCh38, chr13:99,982,367, plus strand): 5'-CCCCGGCGCCTACCCCGGCTCCGCTGCGGCTGCCGCTGCGGCCGCAGCGCTCGGGCCCCA[C>G]GCCGCGCACGTTGGCTCCTACTCTGGGCCGCCCTTCAACTCCACCCGGGACTTCCTGTTC-3'
Protein context (NP_009060.2, residues 91-111): AAAAAAALGP[His101Gln]AAHVGSYSGP

ClinVar aggregate classification (germline): Uncertain significance (1 of 4 stars; one submission).

Conditions:
Holoprosencephaly 5 (HPE5). Identifiers: Orphanet 2162, MedGen C1864827, MONDO:0012322, OMIM 609637.

Submission:

Labcorp Genetics (formerly Invitae), Labcorp
Classification: Uncertain significance for Holoprosencephaly 5. Last evaluated: 2025-12-30. Review status: criteria provided, single submitter. Criteria: Invitae Variant Classification Sherloc (09022015). Collection method: clinical testing. Allele origin: germline.
Comment: This sequence change replaces histidine, which is basic and polar, with glutamine, which is neutral and polar, at codon 101 of the ZIC2 protein (p.His101Gln). This variant is not present in population databases (gnomAD no frequency). This variant has not been reported in the literature in individuals affected with ZIC2-related conditions. Invitae Evidence Modeling of protein sequence and biophysical properties (such as structural, functional, and spatial information, amino acid conservation, physicochemical variation, residue mobility, and thermodynamic stability) indicates that this missense variant is not expected to disrupt ZIC2 protein function with a negative predictive value of 80%. In summary, the available evidence is currently insufficient to determine the role of this variant in disease. Therefore, it has been classified as a Variant of Uncertain Significance.